The following is an entry in ClinVar:

NM_152618.3(BBS12):c.433A>G (p.Lys145Glu)

Gene: BBS12 (Bardet-Biedl syndrome 12; plus strand). Cytogenetic location: 4q27.
Variant type: single nucleotide variant.
Coding change: c.433A>G on transcript NM_152618.3 (MANE Select); coding-DNA position 433, A replaced by G.
Protein change: p.Lys145Glu; replaces lysine 145 with glutamic acid.
Molecular consequence: missense variant.
Genome position (GRCh38, 1-based): chr4:122,742,325, A>G. VCF-style: chr4-122742325-A-G. GRCh37 (hg19) VCF-style: chr4-123663480-A-G.
Other names: c.433A>G, p.Lys145Glu (NM_001178007.2); short protein forms K145E.
Identifiers: ClinVar variation 969207 (VCV000969207.4), dbSNP rs1800890314, ClinGen allele CA358222919.

ClinVar aggregate classification (germline): Uncertain significance (1 of 4 stars; one submission).

Conditions:
Bardet-Biedl syndrome (BBS). Identifiers: Orphanet 110, MedGen C0752166, MONDO:0015229.

Allele frequency attached by ClinVar (database versions not stated): gnomAD exomes 0.00001.
gnomAD v4.1: 4 of 1,614,126 alleles (0.00025%); highest among the groups gnomAD compares: Non-Finnish European, 0.00034%; no homozygotes.

Submission:

Labcorp Genetics (formerly Invitae), Labcorp
Classification: Uncertain significance for Bardet-Biedl syndrome. Last evaluated: 2021-08-28. Review status: criteria provided, single submitter. Criteria: Invitae Variant Classification Sherloc (09022015). Collection method: clinical testing. Allele origin: germline.
Comment: This sequence change replaces lysine with glutamic acid at codon 145 of the BBS12 protein (p.Lys145Glu). The lysine residue is moderately conserved and there is a small physicochemical difference between lysine and glutamic acid. This variant is not present in population databases (ExAC no frequency). This variant has not been reported in the literature in individuals affected with BBS12-related conditions. Algorithms developed to predict the effect of missense changes on protein structure and function output the following: SIFT: "Tolerated"; PolyPhen-2: "Benign"; Align-GVGD: "Class C0". The glutamic acid amino acid residue is found in multiple mammalian species, which suggests that this missense change does not adversely affect protein function. In summary, the available evidence is currently insufficient to determine the role of this variant in disease. Therefore, it has been classified as a Variant of Uncertain Significance.